The following is an entry in ClinVar:

NM_021830.5(TWNK):c.2023G>T (p.Asp675Tyr)

Gene: TWNK (twinkle mtDNA helicase; plus strand). Cytogenetic location: 10q24.31.
Variant type: single nucleotide variant.
Coding change: c.2023G>T on transcript NM_021830.5 (MANE Select); coding-DNA position 2023, G replaced by T.
Protein change: p.Asp675Tyr; replaces aspartic acid 675 with tyrosine.
Molecular consequence: missense variant. On other transcripts: non-coding transcript variant (5), 3 prime UTR variant (2).
Genome position (GRCh38, 1-based): chr10:100,993,478, G>T. VCF-style: chr10-100993478-G-T. GRCh37 (hg19) VCF-style: chr10-102753235-G-T.
Other names: c.*318G>T (NM_001163812.2, NM_001163814.2); c.661G>T, p.Asp221Tyr (NM_001163813.2, NM_001368275.1); short protein forms D675Y, D221Y.
Identifiers: ClinVar variation 3006776 (VCV003006776.3), dbSNP rs758267849, ClinGen allele CA5653390.

ClinVar aggregate classification (germline): Uncertain significance (1 of 4 stars; one submission).

Submission:

Labcorp Genetics (formerly Invitae), Labcorp
Classification: Uncertain significance. Last evaluated: 2023-09-01. Review status: criteria provided, single submitter. Criteria: Invitae Variant Classification Sherloc (09022015). Collection method: clinical testing. Allele origin: germline.
Comment: In summary, the available evidence is currently insufficient to determine the role of this variant in disease. Therefore, it has been classified as a Variant of Uncertain Significance. Advanced modeling of protein sequence and biophysical properties (such as structural, functional, and spatial information, amino acid conservation, physicochemical variation, residue mobility, and thermodynamic stability) performed at Invitae indicates that this missense variant is not expected to disrupt TWNK protein function. This variant has not been reported in the literature in individuals affected with TWNK-related conditions. This variant is present in population databases (rs758267849, gnomAD 0.007%). This sequence change replaces aspartic acid, which is acidic and polar, with tyrosine, which is neutral and polar, at codon 675 of the TWNK protein (p.Asp675Tyr).